The following is an entry in ClinVar:

NM_001384732.1(CPLANE1):c.356A>G (p.Tyr119Cys)

Gene: CPLANE1 (ciliogenesis and planar polarity effector complex subunit 1; minus strand). Cytogenetic location: 5p13.2.
Variant type: single nucleotide variant.
Coding change: c.356A>G on transcript NM_001384732.1 (MANE Select); coding-DNA position 356, A replaced by G.
Protein change: p.Tyr119Cys; replaces tyrosine 119 with cysteine.
Molecular consequence: missense variant.
Genome position (GRCh38, 1-based): chr5:37,244,589, T>C on the plus strand (A>G on the coding strand, the complement: CPLANE1 is on the minus strand). VCF-style: chr5-37244589-T-C. GRCh37 (hg19) VCF-style: chr5-37244691-T-C.
Other names: c.356A>G, p.Tyr119Cys (NM_023073.4); short protein forms Y119C.
Identifiers: ClinVar variation 1435621 (VCV001435621.7), dbSNP rs1738855611, ClinGen allele CA359522394.
Genomic context (GRCh38, chr5:37,244,589, plus strand): 5'-AATATGCATCCAGAAGGTGTTATGAGCACAATTCTTTTCCCATTTCCAGATACATACAAG[T>C]ACAGTCTCAAAGAGCTTGCTAAAAAAGTAACAAAAAAAGTAATTAAGCCTCTGAAGTCTG-3'
Protein context (NP_001371661.1, residues 109-129): KATVASSLRL[Tyr119Cys]LYVSGNGKRI

ClinVar aggregate classification (germline): Uncertain significance. Review status: criteria provided, multiple submitters, no conflicts (2 of 4 stars). 2 submissions from 2 submitters: Uncertain significance (2). Last evaluated 2022-08-08.

Conditions:
Cleft palate. Identifiers: Orphanet 2014, MedGen C2981150, MONDO:0016064, HP:0000175.
Astrocytoma. Also called: Astrocytoma (excluding glioblastoma). Identifiers: HP:0009592, MedGen C0004114, MeSH D001254, MONDO:0019781.
Cleft lip. Also called: Cleft lip (disease). Identifiers: MedGen C4321245, MONDO:0004747, HP:0410030.

Allele frequency attached by ClinVar (database versions not stated): gnomAD exomes below 0.00001; TOPMed 0.00001.
gnomAD v4.1: 5 of 1,548,968 alleles (0.00032%); highest among the groups gnomAD compares: Admixed American, 0.0059%; no homozygotes.

Submissions (2):

Labcorp Genetics (formerly Invitae), Labcorp
Classification: Uncertain significance. Last evaluated: 2022-08-08. Review status: criteria provided, single submitter. Criteria: Invitae Variant Classification Sherloc (09022015). Collection method: clinical testing. Allele origin: germline.
Comment: This sequence change replaces tyrosine, which is neutral and polar, with cysteine, which is neutral and slightly polar, at codon 119 of the CPLANE1 protein (p.Tyr119Cys). This variant is not present in population databases (gnomAD no frequency). This variant has not been reported in the literature in individuals affected with CPLANE1-related conditions. ClinVar contains an entry for this variant (Variation ID: 1435621). Advanced modeling of protein sequence and biophysical properties (such as structural, functional, and spatial information, amino acid conservation, physicochemical variation, residue mobility, and thermodynamic stability) performed at Invitae indicates that this missense variant is not expected to disrupt CPLANE1 protein function. In summary, the available evidence is currently insufficient to determine the role of this variant in disease. Therefore, it has been classified as a Variant of Uncertain Significance.

Laboratorio de Genetica e Diagnostico Molecular, Hospital Israelita Albert Einstein
Classification: Uncertain significance for Cleft palate; Cleft lip; Astrocytoma. Last evaluated: 2021-08-20. Review status: criteria provided, single submitter. Criteria: ACMG Guidelines, 2015. Collection method: clinical testing. Allele origin: germline. Affected: yes.
Comment: ACMG classification criteria: PM2 moderate, PM3 supporting, BP4 supporting